The following is an entry in ClinVar:

NM_005245.4(FAT1):c.1194G>C (p.Leu398Phe)

Gene: FAT1 (FAT atypical cadherin 1; minus strand). Cytogenetic location: 4q35.2.
Variant type: single nucleotide variant.
Coding change: c.1194G>C on transcript NM_005245.4 (MANE Select); coding-DNA position 1194, G replaced by C.
Protein change: p.Leu398Phe; replaces leucine 398 with phenylalanine.
Molecular consequence: missense variant.
Genome position (GRCh38, 1-based): chr4:186,708,634, C>G on the plus strand (G>C on the coding strand, the complement: FAT1 is on the minus strand). VCF-style: chr4-186708634-C-G. GRCh37 (hg19) VCF-style: chr4-187629788-C-G.
Other names: c.1194G>C, p.Leu398Phe (NM_001440455.1, NM_001440456.1, NM_001440457.1); short protein forms L398F.
Identifiers: ClinVar variation 4996053 (VCV004996053.1).

ClinVar aggregate classification (germline): Uncertain significance (1 of 4 stars; one submission).

Conditions:
FAT1-related disorder. Also called: FAT1-related condition.

gnomAD v4.1: 2 of 1,613,904 alleles (0.00012%); highest among the groups gnomAD compares: African/African-American, 0.0027%; no homozygotes.

Submission:

PreventionGenetics, part of Exact Sciences
Classification: Uncertain significance for FAT1-related condition. Last evaluated: 2025-12-08. Review status: criteria provided, single submitter. Criteria: ACMG Guidelines, 2015. Collection method: clinical testing. Allele origin: germline.
Comment: The FAT1 c.1194G>C variant is predicted to result in the amino acid substitution p.Leu398Phe. To our knowledge, this variant has not been reported in the literature or in a large population database (gnomAD), indicating this variant is rare. At this time, the clinical significance of this variant is uncertain due to the absence of conclusive functional and genetic evidence.